The following is an entry in ClinVar:

NM_025081.3(NYNRIN):c.3660C>T (p.Ser1220=)

Gene: NYNRIN (NYN domain and retroviral integrase containing; plus strand). Cytogenetic location: 14q12.
Variant type: single nucleotide variant.
Coding change: c.3660C>T on transcript NM_025081.3 (MANE Select); coding-DNA position 3660, C replaced by T.
Protein change: p.Ser1220=; no amino-acid change (serine 1220 retained).
Molecular consequence: synonymous variant.
Genome position (GRCh38, 1-based): chr14:24,415,409, C>T. VCF-style: chr14-24415409-C-T. GRCh37 (hg19) VCF-style: chr14-24884615-C-T.
Other names: c.3660C>T (NM_025081.2).
Identifiers: ClinVar variation 2852845 (VCV002852845.4), dbSNP rs373087177, ClinGen allele CA7137277.

ClinVar aggregate classification (germline): Likely benign. Review status: criteria provided, single submitter (1 of 4 stars). 2 submissions from 2 submitters: Likely benign (1). 1 of the submissions does not count toward it. Last evaluated 2026-01-21.

Conditions:
NYNRIN-related disorder. Also called: NYNRIN-related condition.

Allele frequency attached by ClinVar (database versions not stated): ExAC 0.00171; gnomAD 0.00194; 1000 Genomes Project 30x 0.00062; TOPMed 0.00186; gnomAD exomes 0.00275; ESP Exome Variant Server 0.00259; 1000 Genomes Project 0.00080.
gnomAD v4.1: 4,300 of 1,613,994 alleles (0.27%); highest among the groups gnomAD compares: Non-Finnish European, 0.33%; 5 homozygotes.

Submissions (2):

Labcorp Genetics (formerly Invitae), Labcorp
Classification: Likely benign. Last evaluated: 2026-01-21. Review status: criteria provided, single submitter. Criteria: Invitae Variant Classification Sherloc (09022015). Collection method: clinical testing. Allele origin: germline.

PreventionGenetics, part of Exact Sciences
Classification: Likely benign for NYNRIN-related condition. Last evaluated: 2024-09-05. Review status: no assertion criteria provided. Collection method: clinical testing. Allele origin: germline. Not counted in ClinVar's aggregate classification.
Comment: This variant is classified as likely benign based on ACMG/AMP sequence variant interpretation guidelines (Richards et al. 2015 PMID: 25741868, with internal and published modifications).